The following is an entry in ClinVar:

ClinVar aggregate classification (germline): Conflicting classifications of pathogenicity. Review status: criteria provided, conflicting classifications (1 of 4 stars). 3 submissions from 3 submitters: Likely pathogenic (1); Uncertain significance (2). Last evaluated 2024-09-01.

Conditions:
Hyperkalemic periodic paralysis. Also called: Familial hyperkalemic periodic paralysis; Gamstorp disease. Identifiers: Orphanet 682, MedGen C0238357, MONDO:0008224, OMIM 170500, HP:0007215.

Allele frequency attached by ClinVar (database versions not stated): gnomAD exomes below 0.00001; ExAC 0.00002; gnomAD 0.00002; TOPMed 0.00002; ESP Exome Variant Server 0.00008; 1000 Genomes Project 30x 0.00016; 1000 Genomes Project 0.00020.
gnomAD v4.1: 9 of 1,614,144 alleles (0.00056%); highest among the groups gnomAD compares: African/African-American, 0.0053%; no homozygotes.

Submissions (3):

CeGaT Center for Human Genetics Tuebingen
Classification: Uncertain significance. Last evaluated: 2024-09-01. Review status: criteria provided, single submitter. Criteria: CeGaT Center For Human Genetics Tuebingen Variant Classification Criteria Version 2. Collection method: clinical testing. Allele origin: germline. Affected: yes. Observed: 1 variant allele.
Comment: SCN4A: PM2, PP3

Genomic Medicine Center of Excellence, King Faisal Specialist Hospital and Research Centre
Classification: Likely pathogenic for Hyperkalemic periodic paralysis. Last evaluated: 2024-03-26. Review status: criteria provided, single submitter. Criteria: ACMG Guidelines, 2015. Collection method: clinical testing. Allele origin: germline.

Labcorp Genetics (formerly Invitae), Labcorp
Classification: Uncertain significance for Hyperkalemic periodic paralysis. Last evaluated: 2023-11-20. Review status: criteria provided, single submitter. Criteria: Invitae Variant Classification Sherloc (09022015). Collection method: clinical testing. Allele origin: germline.
Comment: This sequence change replaces serine, which is neutral and polar, with leucine, which is neutral and non-polar, at codon 1478 of the SCN4A protein (p.Ser1478Leu). This variant is present in population databases (rs201911612, gnomAD 0.008%). This missense change has been observed in individual(s) with clinical features of SCN4A-related conditions (PMID: 33060286). Advanced modeling of protein sequence and biophysical properties (such as structural, functional, and spatial information, amino acid conservation, physicochemical variation, residue mobility, and thermodynamic stability) performed at Invitae indicates that this missense variant is expected to disrupt SCN4A protein function with a positive predictive value of 95%. In summary, the available evidence is currently insufficient to determine the role of this variant in disease. Therefore, it has been classified as a Variant of Uncertain Significance.

Literature cited by the submitters: PubMed 33060286 (cited by Labcorp Genetics (formerly Invitae), Labcorp).

NM_000334.4(SCN4A):c.4433C>T (p.Ser1478Leu)

Genes: GH-LCR (growth hormone locus control region; plus strand), SCN4A (sodium voltage-gated channel alpha subunit 4; minus strand). Cytogenetic location: 17q23.3.
Variant type: single nucleotide variant.
Coding change: c.4433C>T on transcript NM_000334.4 (MANE Select); coding-DNA position 4433, C replaced by T.
Protein change: p.Ser1478Leu; replaces serine 1478 with leucine.
Molecular consequence: missense variant.
Genome position (GRCh38, 1-based): chr17:63,941,849, G>A on the plus strand (C>T on the coding strand, the complement: SCN4A is on the minus strand). VCF-style: chr17-63941849-G-A. GRCh37 (hg19) VCF-style: chr17-62019209-G-A.
Other names: short protein forms S1478L.
Identifiers: ClinVar variation 2763715 (VCV002763715.17), dbSNP rs201911612, ClinGen allele CA8708963.